The following is an entry in ClinVar:

ClinVar aggregate classification (germline): Uncertain significance (1 of 4 stars; one submission).

Conditions:
Intellectual developmental disorder, autosomal dominant 64. Also called: MENTAL RETARDATION, AUTOSOMAL DOMINANT 64. Identifiers: MedGen C5543067, MONDO:0030934, OMIM 619188.

Submission:

Neuberg Centre For Genomic Medicine, NCGM
Classification: Uncertain significance for Intellectual developmental disorder, autosomal dominant 64. Review status: criteria provided, single submitter. Criteria: ACMG Guidelines, 2015. Collection method: clinical testing. Allele origin: germline. Affected: yes.
Comment: The p.Asn1864Ser variant is novel (not in any individuals) in gnomAD Exomes and 1000 Genomes. The amino acid Asn at position 1864 is changed to a Ser changing protein sequence and it might alter its composition and physico-chemical properties. In silico tools predict the variant to be tolerated. The residue is conserved across species. The amino acid change p.Asn1864Ser in ZNF292 is predicted as conserved by GERP++ and PhyloP across 100 vertebrates. For these reasons, this variant has been classified as uncertain significance.

NM_015021.3(ZNF292):c.5591A>G (p.Asn1864Ser)

Gene: ZNF292 (zinc finger protein 292; plus strand). Cytogenetic location: 6q14.3.
Variant type: single nucleotide variant.
Coding change: c.5591A>G on transcript NM_015021.3 (MANE Select); coding-DNA position 5591, A replaced by G.
Protein change: p.Asn1864Ser; replaces asparagine 1864 with serine.
Molecular consequence: missense variant.
Genome position (GRCh38, 1-based): chr6:87,259,220, A>G. VCF-style: chr6-87259220-A-G. GRCh37 (hg19) VCF-style: chr6-87968938-A-G.
Other names: c.5171A>G, p.Asn1724Ser (NM_001351444.2); short protein forms N1724S, N1864S.
Identifiers: ClinVar variation 1878544 (VCV001878544.1), dbSNP rs2482345316, ClinGen allele CA364932763.